The following is an entry in ClinVar:

NM_133433.4(NIPBL):c.2146_2150del (p.Gln716fs)

Gene: NIPBL (NIPBL cohesin loading factor; plus strand). Cytogenetic location: 5p13.2.
Variant type: Microsatellite.
Coding change: c.2146_2150del on transcript NM_133433.4 (MANE Select); coding-DNA positions 2146 to 2150, 5 bases deleted (CAAAA; older notation c.2146_2150delCAAAA).
Protein change: p.Gln716fs; shifts the reading frame from glutamine 716.
Molecular consequence: frameshift variant.
Genome position (GRCh38, 1-based): chr5:36,985,326-36,985,330, CAAAA deleted; deleting any 5 consecutive bases within chr5:36,985,321-36,985,330 gives the same sequence; the c. name uses the placement nearest the transcript's 3' end. VCF-style (leftmost placement, unchanged base first): chr5-36985320-CCAAAA-C. GRCh37 (hg19) VCF-style: chr5-36985422-CCAAAA-C.
Other names: c.2146_2150del, p.Gln716fs (NM_001438586.1, NM_015384.5); c.2141_2145del (NM_133433.4); short protein forms Q716fs.
Identifiers: ClinVar variation 4795212 (VCV004795212.1).

ClinVar aggregate classification (germline): Likely pathogenic (1 of 4 stars; one submission).

Conditions:
Cornelia de Lange syndrome 1 (CDLS1). Also called: TYPUS DEGENERATIVUS AMSTELODAMENSIS; Brachmann de Lange syndrome; NIPBL-Related Cornelia de Lange Syndrome. Identifiers: Orphanet 199, MedGen C4551851, MONDO:0007387, OMIM 122470.

Submission:

Laboratorio de Biologia Molecular/Medicina Genomica - IFF/Fiocruz, Instituto Fernandes Figueira, Fundacao Oswaldo Cruz
Classification: Likely pathogenic for Cornelia de Lange syndrome 1. Last evaluated: 2025-09-02. Review status: criteria provided, single submitter. Criteria: ACMG Guidelines, 2015. Collection method: clinical testing. Allele origin: germline. Affected: yes. Observed: 1 variant allele.
Comment: Variant: c.2141_2145del (p.Gln716Glufs*2) in exon 10 of the NIPBL gene. Protein effect: Frameshift variant predicted to undergo NMD in a gene where LoF is a known mechanism of disease. Population database (gnomAD): Absent. ACMG/AMP criteria applied: PVS1, PM2_Supporting.